The following is an entry in ClinVar:

NM_001079843.3(CASZ1):c.885G>A (p.Pro295=)

Gene: CASZ1 (castor zinc finger 1; minus strand). Cytogenetic location: 1p36.22.
Variant type: single nucleotide variant.
Coding change: c.885G>A on transcript NM_001079843.3 (MANE Select); coding-DNA position 885, G replaced by A.
Protein change: p.Pro295=; no amino-acid change (proline 295 retained).
Molecular consequence: synonymous variant.
Genome position (GRCh38, 1-based): chr1:10,660,157, C>T on the plus strand (G>A on the coding strand, the complement: CASZ1 is on the minus strand). VCF-style: chr1-10660157-C-T. GRCh37 (hg19) VCF-style: chr1-10720214-C-T.
Other names: c.885G>A, p.Pro295= (NM_017766.5).
Identifiers: ClinVar variation 1555283 (VCV001555283.11), dbSNP rs750287178, ClinGen allele CA585290.

ClinVar aggregate classification (germline): Likely benign. Review status: criteria provided, multiple submitters, no conflicts (2 of 4 stars). 3 submissions from 3 submitters: Likely benign (3). Last evaluated 2026-04-01.

Allele frequency attached by ClinVar (database versions not stated): TOPMed 0.00010; gnomAD 0.00011 and 0.00012; gnomAD exomes 0.00018 and 0.00028; ExAC 0.00032.
gnomAD v4.1: 272 of 1,613,918 alleles (0.017%); highest among the groups gnomAD compares: Admixed American, 0.057%; no homozygotes.

Submissions (3):

CeGaT Center for Human Genetics Tuebingen
Classification: Likely benign. Last evaluated: 2026-04-01. Review status: criteria provided, single submitter. Criteria: CeGaT Center For Human Genetics Tuebingen Variant Classification Criteria Version 2. Collection method: clinical testing. Allele origin: germline. Affected: yes. Observed: 1 variant allele.
Comment: CASZ1: BP4, BP7

Labcorp Genetics (formerly Invitae), Labcorp
Classification: Likely benign. Last evaluated: 2025-07-05. Review status: criteria provided, single submitter. Criteria: Invitae Variant Classification Sherloc (09022015). Collection method: clinical testing. Allele origin: germline.

Blueprint Genetics
Classification: Likely benign. Last evaluated: 2024-11-04. Review status: criteria provided, single submitter. Criteria: ACMG Guidelines, 2015. Collection method: clinical testing. Allele origin: germline.